The following is an entry in ClinVar:

NM_001114753.3(ENG):c.67+1G>A

Gene: ENG (endoglin; minus strand). Cytogenetic location: 9q34.11.
Variant type: single nucleotide variant.
Coding change: c.67+1G>A on transcript NM_001114753.3 (MANE Select); the canonical splice donor site of the intron after coding-DNA position 67, G replaced by A.
Molecular consequence: splice donor variant.
Genome position (GRCh38, 1-based): chr9:127,854,288, C>T on the plus strand (G>A on the coding strand, the complement: ENG is on the minus strand). VCF-style: chr9-127854288-C-T. GRCh37 (hg19) VCF-style: chr9-130616567-C-T.
Other names: IVS1DS, G-A, +1; c.67+1G>A (NM_000118.4, NM_001406715.1).
Identifiers: ClinVar variation 449321 (VCV000449321.21), dbSNP rs1554813783, ClinGen allele CA374989490.

ClinVar aggregate classification (germline): Pathogenic. Review status: criteria provided, multiple submitters, no conflicts (2 of 4 stars). 8 submissions from 8 submitters: Pathogenic (5). 3 of the submissions do not count toward it. Last evaluated 2026-03-05.

Conditions:
Hereditary hemorrhagic telangiectasia (HHT). Also called: ORW DISEASE; Osler Weber Rendu syndrome; OSLER-RENDU-WEBER DISEASE; Osler hemorrhagic telangiectasia syndrome. Identifiers: Orphanet 774, MedGen C0039445, MONDO:0019180. Disease mechanism: loss of function.
Cardiovascular phenotype. Identifiers: MedGen CN230736.
Telangiectasia, hereditary hemorrhagic, type 1 (HHT1). Also called: Osler Weber Rendu syndrome type 1; ENG-Related Hereditary Hemorrhagic Telangiectasia. Identifiers: Orphanet 774, MedGen C4551861, MONDO:0008535, OMIM 187300. Disease mechanism: loss of function.

Submissions (8):

Broad Center for Mendelian Genomics, Broad Institute of MIT and Harvard
Classification: Pathogenic for Telangiectasia, hereditary hemorrhagic, type 1. Last evaluated: 2026-03-05. Review status: criteria provided, single submitter. Criteria: ACMG Guidelines, 2015. Collection method: research. Allele origin: germline. Inheritance: Autosomal dominant inheritance. Study: GREGoR Consortium.
Comment: The c.67+1G>A variant in ENG has been reported in at least 8 individuals with hereditary hemorrhagic telangiectasia (HHT; Gallione 2000 PMID:10982033, Kitayama 2021 PMID:34872578). It was absent from large population studies. This variant has also been reported in ClinVar {Variation ID 449321). This variant occurs within the canonical splice site (+/-1,2) and is predicted to cause altered splicing leading to an abnormal or absent protein. Loss of function of the ENG gene is an established disease mechanism in autosomal dominant HHT. In summary, this variant meets criteria to be classified as pathogenic for autosomal dominant HHT. ACMG/AMP Criteria applied: PVS1, PS4, PM2_supporting.

Labcorp Genetics (formerly Invitae), Labcorp
Classification: Pathogenic for Hereditary hemorrhagic telangiectasia. Last evaluated: 2024-08-19. Review status: criteria provided, single submitter. Criteria: Invitae Variant Classification Sherloc (09022015). Collection method: clinical testing. Allele origin: germline.
Comment: This sequence change affects a donor splice site in intron 1 of the ENG gene. It is expected to disrupt RNA splicing. Variants that disrupt the donor or acceptor splice site typically lead to a loss of protein function (PMID: 16199547), and loss-of-function variants in ENG are known to be pathogenic (PMID: 15879500). This variant is not present in population databases (gnomAD no frequency). Disruption of this splice site has been observed in individuals with hereditary hemorrhagic telangiectasia (PMID: 10982033, 25970827). This variant is also known as IVS1+1 (g→a). ClinVar contains an entry for this variant (Variation ID: 449321). Algorithms developed to predict the effect of sequence changes on RNA splicing suggest that this variant may disrupt the consensus splice site. For these reasons, this variant has been classified as Pathogenic.

Ambry Genetics
Classification: Pathogenic for Cardiovascular phenotype. Last evaluated: 2022-09-22. Review status: criteria provided, single submitter. Criteria: Ambry Variant Classification Scheme 2023. Collection method: clinical testing. Allele origin: germline.
Comment: The c.67+1G>A intronic pathogenic mutation (also known as IVS1+1G>A) results from a G to A substitution one nucleotide after intron 1 of the ENG gene. This mutation was observed in 7 families with hereditary hemorrhagic telangiectasia (HHT) from the Dutch Antilles, and segregated with disease in all affected individuals (Gallione CJ et al. Hum. Genet., 2000 Jul;107:40-4). This variant is considered to be rare based on population cohorts in the Genome Aggregation Database (gnomAD). In silico splice site analysis predicts that this alteration will weaken the native splice donor site and may result in the creation or strengthening of a novel splice donor site. In addition to the clinical data presented in the literature, alterations that disrupt the canonical splice site are expected to cause aberrant splicing, resulting in an abnormal protein or a transcript that is subject to nonsense-mediated mRNA decay. As such, this alteration is classified as a disease-causing mutation.

Mayo Clinic Laboratories, Mayo Clinic
Classification: Pathogenic. Last evaluated: 2019-07-22. Review status: criteria provided, single submitter. Criteria: ACMG Guidelines, 2015. Collection method: clinical testing. Allele origin: germline. Observed: 1 variant allele.
Comment: PVS1, PS4, PM2

GeneDx
Classification: Pathogenic. Last evaluated: 2016-05-05. Review status: criteria provided, single submitter. Criteria: GeneDx Variant Classification (06012015). Collection method: clinical testing. Allele origin: germline. Affected: yes.
Comment: The c.67+1 G>A variant has been reported in multiple individuals who meet Curacao clinical criteria for a diagnosis of HHT and is recognized as a founder mutation in the Leeward Islands of the Netherlands Antilles; Bonaire and Curacao (Gallione et al., 2000; Letteboer et al., 2005). The c.67+1G>A variant destroys the canonical splice donor site in intron 1 and is predicted to cause abnormal gene splicing. This variant is predicted to lead to either an abnormal message that is subject to nonsense-mediated mRNA decay, or to an abnormal protein product if the message is used for protein translation. Other splice site variants in the ENG gene, including several in the same splice donor site but a different nucleotide, have been reported in HGMD in association with HHT (Stenson et al., 2014). Furthermore, the c.67+1 G>A variant was not observed in approximately 6,400 individuals of European and African American ancestry in the NHLBI Exome Sequencing Project, indicating it is not a common benign variant in these populations.In summary, c.67+1 G>A in the ENG gene is interpreted as a pathogenic variant.

OMIM
Classification: Pathogenic for HEREDITARY HEMORRHAGIC TELANGIECTASIA 1. Last evaluated: 2000-07-01. Review status: no assertion criteria provided. Collection method: literature only. Allele origin: germline. Not counted in ClinVar's aggregate classification.

Clinical Genetics, Academic Medical Center
Classification: Pathogenic. Review status: no assertion criteria provided. Collection method: clinical testing. Allele origin: germline. Affected: yes. Study: VKGL Data-share Consensus. Not counted in ClinVar's aggregate classification.

Genome Diagnostics Laboratory, University Medical Center Utrecht
Classification: Pathogenic. Review status: no assertion criteria provided. Collection method: clinical testing. Allele origin: germline. Affected: yes. Study: VKGL Data-share Consensus. Not counted in ClinVar's aggregate classification.

Literature cited by the submitters: PubMed 16199547 (cited by Labcorp Genetics (formerly Invitae), Labcorp); PubMed 15879500 (cited by Labcorp Genetics (formerly Invitae), Labcorp); PubMed 10982033 (cited by 4 submitters); PubMed 25970827 (cited by Labcorp Genetics (formerly Invitae), Labcorp); PubMed 15517393 (cited by Mayo Clinic Laboratories, Mayo Clinic).